The following is an entry in ClinVar:

ClinVar aggregate classification (germline): Uncertain significance. Review status: criteria provided, multiple submitters, no conflicts (2 of 4 stars). 2 submissions from 2 submitters: Uncertain significance (2). Last evaluated 2026-03-30.

Conditions:
Noonan syndrome 7 (NS7). Also called: BRAF-Related Noonan Syndrome. Identifiers: Orphanet 648, MedGen C3150970, MONDO:0013379, OMIM 613706.
BRAF-related disorder. Also called: BRAF-related condition.

Submissions (2):

PreventionGenetics, part of Exact Sciences
Classification: Uncertain significance for BRAF-related condition. Last evaluated: 2026-03-30. Review status: criteria provided, single submitter. Criteria: ACMG Guidelines, 2015. Collection method: clinical testing. Allele origin: germline.
Comment: The BRAF c.1795A>G variant is predicted to result in the amino acid substitution p.Thr599Ala. This variant has been reported in an individual with Langerhans cell histiocytosis, and in vitro analysis determined the p.Thr599Ala variant impaired the intrinsic BRAF kinase activity (Satoh et al. 2012. PubMed ID: 22506009). Of note, this variant was inherited from the patient's unaffected mother, and the authors were not confident in the p.Thr599Ala variant's contribution to the patient's phenotype (Satoh et al. 2012. PubMed ID: 22506009). This residue lies within the critical CR3 activation domain of BRAF, and other alterations at this amino acid position are classified as pathogenic in the ClinVar database, including p.Thr599Arg (Variation ID: 280033) and p.Thr599Ile (Variation ID: 40388). This variant has not been reported in a large population database (gnomAD), indicating this variant is rare. Although we suspect this variant may be pathogenic, at this time, the clinical significance of this variant is uncertain due to the absence of conclusive functional and genetic evidence.

St. Jude Molecular Pathology, St. Jude Children's Research Hospital
Classification: Uncertain significance for Noonan syndrome 7. Last evaluated: 2024-11-03. Review status: criteria provided, single submitter. Criteria: St. Jude Assertion Criteria 2020. Collection method: clinical testing. Allele origin: germline.
Comment: The BRAF c.1795A>G (p.Thr599Ala) missense change is absent in gnomAD v2.1.1. The in silico tool REVEL predicts a deleterious effect on protein function, however functional studies are inconclusive (PMID: 22506009, 29533785). This variant occurs in the CR3 activation domain of BRAF, which has been defined by the ClinGen RASopathy Expert Panel as a region important for protein function (PMID 29493581). This variant occurs in a gene where missense variants are more likely to be damaging based on methods described by Lek et al. (PMID: 27535533). Other missense variants impacting the same amino acid residue (p.Thr599Arg and p.Thr599Ile) have been reported in individuals with cardiofaciocutaneous syndrome and are reported as pathogenic. While this variant currently meets criteria to be classified as of uncertain significance, the available evidence suggests that this variant may have a pathogenic effect. As such, this result does not exclude the possibility that the variant is disease-causing, and additional evidence may allow for re-classification. In summary, this variant meets criteria to be classified as of uncertain significance.

NM_004333.6(BRAF):c.1795A>G (p.Thr599Ala)

Gene: BRAF (B-Raf proto-oncogene, serine/threonine kinase; minus strand). Cytogenetic location: 7q34.
Variant type: single nucleotide variant.
Coding change: c.1795A>G on transcript NM_004333.6 (MANE Select); coding-DNA position 1795, A replaced by G.
Protein change: p.Thr599Ala; replaces threonine 599 with alanine.
Molecular consequence: missense variant.
Genome position (GRCh38, 1-based): chr7:140,753,340, T>C on the plus strand (A>G on the coding strand, the complement: BRAF is on the minus strand). VCF-style: chr7-140753340-T-C. GRCh37 (hg19) VCF-style: chr7-140453140-T-C.
Other names: c.1795A>G, p.Thr599Ala (NM_001354609.2, NM_001378468.1, NM_001378474.1); c.1915A>G, p.Thr639Ala (NM_001374244.1, NM_001374258.1); c.1804A>G, p.Thr602Ala (NM_001378467.1); c.1729A>G, p.Thr577Ala (NM_001378469.1); c.1693A>G, p.Thr565Ala (NM_001378470.1); c.1684A>G, p.Thr562Ala (NM_001378471.1); c.1639A>G, p.Thr547Ala (NM_001378472.1, NM_001378473.1); c.1531A>G, p.Thr511Ala (NM_001378475.1); short protein forms T511A, T547A, T562A, T565A, T577A, T599A, T602A, T639A.
Identifiers: ClinVar variation 3602712 (VCV003602712.2).
Genomic context (GRCh38, chr7:140,753,340, plus strand): 5'-ACAAAATGGATCCAGACAACTGTTCAAACTGATGGGACCCACTCCATCGAGATTTCACTG[T>C]AGCTAGACCAAAATCACCTATTTTTACTGTGAGGTCTTCATGAAGAAATATATCTGAGGT-3'
Protein context (NP_004324.2, residues 589-609): TVKIGDFGLA[Thr599Ala]VKSRWSGSHQ